The following is an entry in ClinVar:

NM_030652.4(EGFL8):c.222C>G (p.Tyr74Ter)

Genes: EGFL8 (EGF like domain multiple 8; plus strand), PPT2-EGFL8 (PPT2-EGFL8 readthrough (NMD candidate); plus strand). Cytogenetic location: 6p21.32.
Variant type: single nucleotide variant.
Coding change: c.222C>G on transcript NM_030652.4 (MANE Select); coding-DNA position 222, C replaced by G.
Protein change: p.Tyr74Ter; replaces tyrosine 74 with a stop codon.
Molecular consequence: nonsense. On other transcripts: non-coding transcript variant (2).
Genome position (GRCh38, 1-based): chr6:32,166,618, C>G. VCF-style: chr6-32166618-C-G. GRCh37 (hg19) VCF-style: chr6-32134395-C-G.
Other names: short protein forms Y74*.
Identifiers: ClinVar variation 2656448 (VCV002656448.23), dbSNP rs141826798, ClinGen allele CA3737233.

ClinVar aggregate classification (germline): Likely benign (1 of 4 stars; one submission).

Allele frequency attached by ClinVar (database versions not stated): ExAC 0.00317; gnomAD 0.00325; ESP Exome Variant Server 0.00344; 1000 Genomes Project 0.00260; 1000 Genomes Project 30x 0.00297; TOPMed 0.00314.

Submission:

CeGaT Center for Human Genetics Tuebingen
Classification: Likely benign. Last evaluated: 2024-05-01. Review status: criteria provided, single submitter. Criteria: CeGaT Center For Human Genetics Tuebingen Variant Classification Criteria Version 2. Collection method: clinical testing. Allele origin: germline. Affected: yes. Observed: 2 variant alleles.
Comment: EGFL8: BS2